The following is an entry in ClinVar:

ClinVar aggregate classification (germline): Uncertain significance. Review status: criteria provided, multiple submitters, no conflicts (2 of 4 stars). 3 submissions from 3 submitters: Uncertain significance (3). Last evaluated 2024-03-08.

Conditions:
Vitamin D-dependent rickets, type 1A. Also called: VITAMIN D HYDROXYLATION-DEFICIENT RICKETS, TYPE 1A; PDDR IA; PSEUDOVITAMIN D-DEFICIENCY RICKETS, TYPE IA. Identifiers: MedGen CN283242, MONDO:0020723, OMIM 264700.
Inborn genetic diseases. Identifiers: MedGen C0950123, MeSH D030342.

Allele frequency attached by ClinVar (database versions not stated): gnomAD exomes 0.00001 and 0.00007; 1000 Genomes Project 30x 0.00062; TOPMed 0.00002; gnomAD 0.00005 and 0.00003; 1000 Genomes Project 0.00060; ExAC 0.00004.
gnomAD v4.1: 29 of 1,613,448 alleles (0.0018%); highest among the groups gnomAD compares: East Asian, 0.058%; no homozygotes.

Submissions (3):

Fulgent Genetics
Classification: Uncertain significance for Vitamin D-dependent rickets, type 1A. Last evaluated: 2024-03-08. Review status: criteria provided, single submitter. Criteria: ACMG Guidelines, 2015. Collection method: clinical testing. Allele origin: germline.

Ambry Genetics
Classification: Uncertain significance for Inborn genetic diseases. Last evaluated: 2023-12-27. Review status: criteria provided, single submitter. Criteria: Ambry Variant Classification Scheme 2023. Collection method: clinical testing. Allele origin: germline.

Labcorp Genetics (formerly Invitae), Labcorp
Classification: Uncertain significance. Last evaluated: 2022-05-24. Review status: criteria provided, single submitter. Criteria: Invitae Variant Classification Sherloc (09022015). Collection method: clinical testing. Allele origin: germline.
Comment: This sequence change replaces cysteine, which is neutral and slightly polar, with serine, which is neutral and polar, at codon 209 of the CYP27B1 protein (p.Cys209Ser). This variant is present in population databases (rs201503366, gnomAD 0.09%). This variant has not been reported in the literature in individuals affected with CYP27B1-related conditions. ClinVar contains an entry for this variant (Variation ID: 960812). Algorithms developed to predict the effect of missense changes on protein structure and function are either unavailable or do not agree on the potential impact of this missense change (SIFT: "Deleterious"; PolyPhen-2: "Benign"; Align-GVGD: "Class C65"). In summary, the available evidence is currently insufficient to determine the role of this variant in disease. Therefore, it has been classified as a Variant of Uncertain Significance.

NM_000785.4(CYP27B1):c.626G>C (p.Cys209Ser)

Gene: CYP27B1 (cytochrome P450 family 27 subfamily B member 1; minus strand). Cytogenetic location: 12q14.1.
Variant type: single nucleotide variant.
Coding change: c.626G>C on transcript NM_000785.4 (MANE Select); coding-DNA position 626, G replaced by C.
Protein change: p.Cys209Ser; replaces cysteine 209 with serine.
Molecular consequence: missense variant.
Genome position (GRCh38, 1-based): chr12:57,765,175, C>G on the plus strand (G>C on the coding strand, the complement: CYP27B1 is on the minus strand). VCF-style: chr12-57765175-C-G. GRCh37 (hg19) VCF-style: chr12-58158958-C-G.
Other names: short protein forms C209S.
Identifiers: ClinVar variation 960812 (VCV000960812.9), dbSNP rs201503366, ClinGen allele CA6658368.